The following is an entry in ClinVar:

ClinVar aggregate classification (germline): Uncertain significance (1 of 4 stars; one submission).

Conditions:
Left ventricular noncompaction 1 (LVNC1). Also called: LEFT VENTRICULAR NONCOMPACTION 1 WITH OR WITHOUT CONGENITAL HEART DEFECTS. Identifiers: Orphanet 54260, MedGen C1858725, MONDO:0011403, OMIM 604169.

Submission:

Labcorp Genetics (formerly Invitae), Labcorp
Classification: Uncertain significance for Left ventricular noncompaction 1. Last evaluated: 2025-07-30. Review status: criteria provided, single submitter. Criteria: Invitae Variant Classification Sherloc (09022015). Collection method: clinical testing. Allele origin: germline.
Comment: This sequence change falls in intron 12 of the DTNA gene. It does not directly change the encoded amino acid sequence of the DTNA protein. This variant is not present in population databases (gnomAD no frequency). This variant has not been reported in the literature in individuals affected with DTNA-related conditions. Experimental studies and prediction algorithms are not available or were not evaluated, and the effect of this variant on mRNA splicing is currently unknown. In summary, the available evidence is currently insufficient to determine the role of this variant in disease. Therefore, it has been classified as a Variant of Uncertain Significance.

NM_001386795.1(DTNA):c.1347-6_1347-5insTTTTTTTTTTTTTTTTTTTTNNNNNNNNNNAAAATGCAGAAAGCAGCTCCATTCCTAAAGACAAGTTTTGAGAACCTCTTCCCCAGGCAGGCTCCTAAGCATCTCGCTTTGTTCTT

Gene: DTNA (dystrobrevin alpha; plus strand). Cytogenetic location: 18q12.1.
Variant type: Insertion.
Coding change: c.1347-6_1347-5insTTTTTTTTTTTTTTTTTTTTNNNNNNNNNNAAAATGCAGAAAGCAGCTCCATTCCTAAAGACAAGTTTTGAGAACCTCTTCCCCAGGCAGGCTCCTAAGCATCTCGCTTTGTTCTT on transcript NM_001386795.1 (MANE Select); 6 bases into the intron before coding-DNA position 1347 through 5 bases into the intron before coding-DNA position 1347, TTTTTTTTTTTTTTTTTTTTNNNNNNNNNNAAAATGCAGAAAGCAGCTCCATTCCTAAAGACAAGTTTTGAGAACCTCTTCCCCAGGCAGGCTCCTAAGCATCTCGCTTTGTTCTT inserted.
Molecular consequence: intron variant.
Genome position: GRCh38: chr18:34,848,290-34,848,291. GRCh37 (hg19): chr18:32,428,254-32,428,255.
Other names: c.1095-6_1095-5insTTTTTTTTTTTTTTTTTTTTNNNNNNNNNNAAAATGCAGAAAGCAGCTCCATTCCTAAAGACAAGTTTTGAGAACCTCTTCCCCAGGCAGGCTCCTAAGCATCTCGCTTTGTTCTT (NM_032975.4, NM_001386761.1, NM_001386762.1 and 1 more transcripts); c.1176-6_1176-5insTTTTTTTTTTTTTTTTTTTTNNNNNNNNNNAAAATGCAGAAAGCAGCTCCATTCCTAAAGACAAGTTTTGAGAACCTCTTCCCCAGGCAGGCTCCTAAGCATCTCGCTTTGTTCTT (NM_001386754.1, NM_001386755.1, NM_001386760.1 and 5 more transcripts); c.1086-6_1086-5insTTTTTTTTTTTTTTTTTTTTNNNNNNNNNNAAAATGCAGAAAGCAGCTCCATTCCTAAAGACAAGTTTTGAGAACCTCTTCCCCAGGCAGGCTCCTAAGCATCTCGCTTTGTTCTT (NM_001386763.1, NM_001386764.1, NM_001386768.1 and 13 more transcripts); c.604-3541_604-3540insTTTTTTTTTTTTTTTTTTTTNNNNNNNNNNAAAATGCAGAAAGCAGCTCCATTCCTAAAGACAAGTTTTGAGAACCTCTTCCCCAGGCAGGCTCCTAAGCATCTCGCTTTGTTCTT (NM_001198945.2); c.1347-6_1347-5insTTTTTTTTTTTTTTTTTTTTNNNNNNNNNNAAAATGCAGAAAGCAGCTCCATTCCTAAAGACAAGTTTTGAGAACCTCTTCCCCAGGCAGGCTCCTAAGCATCTCGCTTTGTTCTT (NM_001386788.1); c.1257-6_1257-5insTTTTTTTTTTTTTTTTTTTTNNNNNNNNNNAAAATGCAGAAAGCAGCTCCATTCCTAAAGACAAGTTTTGAGAACCTCTTCCCCAGGCAGGCTCCTAAGCATCTCGCTTTGTTCTT (NM_032978.7); c.1266-6_1266-5insTTTTTTTTTTTTTTTTTTTTNNNNNNNNNNAAAATGCAGAAAGCAGCTCCATTCCTAAAGACAAGTTTTGAGAACCTCTTCCCCAGGCAGGCTCCTAAGCATCTCGCTTTGTTCTT (NM_001390.5, NM_001391.5); c.336-6_336-5insTTTTTTTTTTTTTTTTTTTTNNNNNNNNNNAAAATGCAGAAAGCAGCTCCATTCCTAAAGACAAGTTTTGAGAACCTCTTCCCCAGGCAGGCTCCTAAGCATCTCGCTTTGTTCTT (NM_001198943.1); and 4 more.
Identifiers: ClinVar variation 4724484 (VCV004724484.1).